The following is an entry in ClinVar:

NM_024598.4(USB1):c.723G>C (p.Glu241Asp)

Gene: USB1 (U6 snRNA biogenesis phosphodiesterase 1; plus strand). Cytogenetic location: 16q21.
Variant type: single nucleotide variant.
Coding change: c.723G>C on transcript NM_024598.4 (MANE Select); coding-DNA position 723, G replaced by C.
Protein change: p.Glu241Asp; replaces glutamic acid 241 with aspartic acid.
Molecular consequence: missense variant.
Genome position (GRCh38, 1-based): chr16:58,020,170, G>C. VCF-style: chr16-58020170-G-C. GRCh37 (hg19) VCF-style: chr16-58054074-G-C.
Other names: c.669G>C, p.Glu223Asp (NM_001195302.2); c.570G>C, p.Glu190Asp (NM_001330568.2); short protein forms E223D, E190D, E241D.
Identifiers: ClinVar variation 3187009 (VCV003187009.2), dbSNP rs761098113, ClinGen allele CA8085041.

ClinVar aggregate classification (germline): Uncertain significance (1 of 4 stars; one submission).

Conditions:
Inborn genetic diseases. Identifiers: MedGen C0950123, MeSH D030342.

Allele frequency attached by ClinVar (database versions not stated): gnomAD exomes below 0.00001; TOPMed below 0.00001; ExAC 0.00001.
gnomAD v4.1: 1 of 1,614,174 alleles (0.000062%); highest among the groups gnomAD compares: Non-Finnish European, 0.000085%; no homozygotes.

Submission:

Ambry Genetics
Classification: Uncertain significance for Inborn genetic diseases. Last evaluated: 2024-12-12. Review status: criteria provided, single submitter. Criteria: Ambry Variant Classification Scheme 2023. Collection method: clinical testing. Allele origin: germline.
Comment: The p.E241D variant (also known as c.723G>C), located in coding exon 7 of the USB1 gene, results from a G to C substitution at nucleotide position 723. The glutamic acid at codon 241 is replaced by aspartic acid, an amino acid with highly similar properties. This amino acid position is conserved. In addition, this alteration is predicted to be tolerated by in silico analysis. Based on the available evidence, the clinical significance of this variant remains unclear.